The following is an entry in ClinVar:

ClinVar aggregate classification (germline): Uncertain significance. Review status: criteria provided, multiple submitters, no conflicts (2 of 4 stars). 2 submissions from 2 submitters: Uncertain significance (2). Last evaluated 2022-07-14.

Conditions:
Neuromuscular disease caused by qualitative or quantitative defects of dysferlin. Also called: Qualitative or quantitative defects of dysferlin; Dysferlinopathy. Identifiers: Orphanet 207073, MedGen C2931687, MONDO:0016145.

Allele frequency attached by ClinVar (database versions not stated): ExAC 0.00001; gnomAD exomes 0.00001; gnomAD 0.00001; TOPMed 0.00001.
gnomAD v4.1: 13 of 1,613,582 alleles (0.00081%); highest among the groups gnomAD compares: African/African-American, 0.0013%; no homozygotes.

Submissions (2):

Labcorp Genetics (formerly Invitae), Labcorp
Classification: Uncertain significance for Neuromuscular disease caused by qualitative or quantitative defects of dysferlin. Last evaluated: 2022-07-14. Review status: criteria provided, single submitter. Criteria: Invitae Variant Classification Sherloc (09022015). Collection method: clinical testing. Allele origin: germline.
Comment: This sequence change replaces valine, which is neutral and non-polar, with glycine, which is neutral and non-polar, at codon 4 of the DYSF protein (p.Val4Gly). This variant is present in population databases (rs760262472, gnomAD 0.007%). This variant has not been reported in the literature in individuals affected with DYSF-related conditions. Advanced modeling of protein sequence and biophysical properties (such as structural, functional, and spatial information, amino acid conservation, physicochemical variation, residue mobility, and thermodynamic stability) performed at Invitae indicates that this missense variant is expected to disrupt DYSF protein function. In summary, the available evidence is currently insufficient to determine the role of this variant in disease. Therefore, it has been classified as a Variant of Uncertain Significance.

Revvity Omics, Revvity
Classification: Uncertain significance. Last evaluated: 2020-06-19. Review status: criteria provided, single submitter. Criteria: ACMG Guidelines, 2015. Collection method: clinical testing. Allele origin: germline.

NM_003494.4(DYSF):c.11T>G (p.Val4Gly)

Gene: DYSF (dysferlin; plus strand). Cytogenetic location: 2p13.2.
Variant type: single nucleotide variant.
Coding change: c.11T>G on transcript NM_003494.4 (MANE Plus Clinical); coding-DNA position 11, T replaced by G.
Protein change: p.Val4Gly; replaces valine 4 with glycine.
Molecular consequence: missense variant.
Genome position (GRCh38, 1-based): chr2:71,454,009, T>G. VCF-style: chr2-71454009-T-G. GRCh37 (hg19) VCF-style: chr2-71681139-T-G.
Other names: c.11T>G, p.Val4Gly (NM_001130976.2, NM_001130977.2, NM_001130978.2 and 3 more transcripts); short protein forms V4G.
Identifiers: ClinVar variation 2050745 (VCV002050745.4), dbSNP rs760262472, ClinGen allele CA1705169.